The following is an entry in ClinVar:

NM_198253.3(TERT):c.2542G>A (p.Asp848Asn)

Gene: TERT (telomerase reverse transcriptase; minus strand). Cytogenetic location: 5p15.33.
Variant type: single nucleotide variant.
Coding change: c.2542G>A on transcript NM_198253.3 (MANE Select); coding-DNA position 2542, G replaced by A.
Protein change: p.Asp848Asn; replaces aspartic acid 848 with asparagine.
Molecular consequence: missense variant. On other transcripts: non-coding transcript variant (2).
Genome position (GRCh38, 1-based): chr5:1,268,560, C>T on the plus strand (G>A on the coding strand, the complement: TERT is on the minus strand). VCF-style: chr5-1268560-C-T. GRCh37 (hg19) VCF-style: chr5-1268675-C-T.
Other names: c.2542G>A, p.Asp848Asn (NM_001193376.3); short protein forms D848N.
Identifiers: ClinVar variation 580438 (VCV000580438.49), dbSNP rs1003575407, ClinGen allele CA112941106.
Genomic context (GRCh38, chr5:1,268,560, plus strand): 5'-TGGGGAAGAGGAGGCCTCACCCGTCCCGCCGAATCCCCGCAAACAGCTTGTTCTCCATGT[C>T]GCCGTAGCACAGGCTGCAGAGCAGCGTGGAGAGGATGGAGCCCTGCGGGATCCCCTGGCA-3'
Protein context (NP_937983.2, residues 838-858): STLLCSLCYG[Asp848Asn]MENKLFAGIR

ClinVar aggregate classification (germline): Uncertain significance. Review status: criteria provided, multiple submitters, no conflicts (2 of 4 stars). 3 submissions from 3 submitters: Uncertain significance (3). Last evaluated 2026-06-02.

Conditions:
Dyskeratosis congenita, autosomal dominant 2. Identifiers: MedGen C3151443, MONDO:0013521, OMIM 613989.
Idiopathic Pulmonary Fibrosis. Also called: Idiopathic fibrosing alveolitis, chronic form; idiopathic fibrosing alveolitis. Identifiers: Orphanet 2032, MedGen C1800706, MeSH D054990, MONDO:0800504.
Dyskeratosis congenita. Identifiers: Orphanet 1775, MedGen C0265965, MONDO:0015780.

Allele frequency attached by ClinVar (database versions not stated): gnomAD exomes below 0.00001; TOPMed 0.00001.
gnomAD v4.1: 3 of 1,613,534 alleles (0.00019%); highest among the groups gnomAD compares: Non-Finnish European, 0.00017%; no homozygotes.

Submissions (3):

Ambry Genetics
Classification: Uncertain significance for Dyskeratosis congenita. Last evaluated: 2026-06-02. Review status: criteria provided, single submitter. Criteria: Ambry Variant Classification Scheme 2023. Collection method: clinical testing. Allele origin: germline.
Comment: The p.D848N variant (also known as c.2542G>A), located in coding exon 9 of the TERT gene, results from a G to A substitution at nucleotide position 2542. The aspartic acid at codon 848 is replaced by asparagine, an amino acid with highly similar properties. This variant was reported in individual(s) with features consistent with TERT-related disorder (Reilly CR et al. Blood, 2021 Sep;138:898-911; Justet A et al. Eur Respir J, 2021 Feb;57:). This amino acid position is not well conserved in available vertebrate species. In addition, this alteration is predicted to be tolerated by in silico analysis. Based on the available evidence, the clinical significance of this variant remains unclear.

Labcorp Genetics (formerly Invitae), Labcorp
Classification: Uncertain significance for Dyskeratosis congenita, autosomal dominant 2; Idiopathic Pulmonary Fibrosis. Last evaluated: 2024-04-15. Review status: criteria provided, single submitter. Criteria: Invitae Variant Classification Sherloc (09022015). Collection method: clinical testing. Allele origin: germline.
Comment: This sequence change replaces aspartic acid, which is acidic and polar, with asparagine, which is neutral and polar, at codon 848 of the TERT protein (p.Asp848Asn). This variant is not present in population databases (gnomAD no frequency). This missense change has been observed in individual(s) with clinical features of TERT-related conditions (PMID: 34019641). ClinVar contains an entry for this variant (Variation ID: 580438). Advanced modeling of protein sequence and biophysical properties (such as structural, functional, and spatial information, amino acid conservation, physicochemical variation, residue mobility, and thermodynamic stability) performed at Invitae indicates that this missense variant is expected to disrupt TERT protein function with a positive predictive value of 95%. Experimental studies are conflicting or provide insufficient evidence to determine the effect of this variant on TERT function (PMID: 34019641). In summary, the available evidence is currently insufficient to determine the role of this variant in disease. Therefore, it has been classified as a Variant of Uncertain Significance.

GeneDx
Classification: Uncertain significance. Last evaluated: 2021-11-30. Review status: criteria provided, single submitter. Criteria: GeneDx Variant Classification Process June 2021. Collection method: clinical testing. Allele origin: germline. Affected: yes.
Comment: Reported in an individual with myelodysplastic syndrome, no additional clinical information was provided (Reilly et al., 2021); In silico analysis supports that this missense variant does not alter protein structure/function; Not observed at significant frequency in large population cohorts (Lek et al., 2016); This variant is associated with the following publications: (PMID: 34019641)

Literature cited by the submitters: PubMed 33214205 (cited by Ambry Genetics); PubMed 34019641 (cited by Ambry Genetics and Labcorp Genetics (formerly Invitae), Labcorp).